The following is an entry in ClinVar:

ClinVar aggregate classification (germline): Uncertain significance (1 of 4 stars; one submission).

Conditions:
Acute myeloid leukemia (AML). Also called: Leukemia, acute myeloid, somatic; Leukemia, acute myelogenous, somatic; Acute myeloid leukemia, adult; AML adult; Acute non-lymphocytic leukemia; Acute granulocytic leukemia. Identifiers: Orphanet 519, MedGen C0023467, MeSH D015470, MONDO:0018874, OMIM 601626, HP:0004808. Disease mechanism: Constitutively activated FLT3.

Submission:

Labcorp Genetics (formerly Invitae), Labcorp
Classification: Uncertain significance for Acute myeloid leukemia. Last evaluated: 2021-11-10. Review status: criteria provided, single submitter. Criteria: Invitae Variant Classification Sherloc (09022015). Collection method: clinical testing. Allele origin: germline.
Comment: This variant has not been reported in the literature in individuals affected with CEBPA-related conditions. This sequence change replaces threonine, which is neutral and polar, with proline, which is neutral and non-polar, at codon 318 of the CEBPA protein (p.Thr318Pro). This variant is not present in population databases (gnomAD no frequency). Algorithms developed to predict the effect of missense changes on protein structure and function are either unavailable or do not agree on the potential impact of this missense change (SIFT: "Tolerated"; PolyPhen-2: "Probably Damaging"; Align-GVGD: "Class C0"). In summary, the available evidence is currently insufficient to determine the role of this variant in disease. Therefore, it has been classified as a Variant of Uncertain Significance.

NM_004364.5(CEBPA):c.952A>C (p.Thr318Pro)

Gene: CEBPA (CCAAT enhancer binding protein alpha; minus strand). Cytogenetic location: 19q13.11.
Variant type: single nucleotide variant.
Coding change: c.952A>C on transcript NM_004364.5 (MANE Select); coding-DNA position 952, A replaced by C.
Protein change: p.Thr318Pro; replaces threonine 318 with proline.
Molecular consequence: missense variant.
Genome position (GRCh38, 1-based): chr19:33,301,463, T>G on the plus strand (A>C on the coding strand, the complement: CEBPA is on the minus strand). VCF-style: chr19-33301463-T-G. GRCh37 (hg19) VCF-style: chr19-33792369-T-G.
Other names: c.595A>C, p.Thr199Pro (NM_001285829.2); c.1057A>C, p.Thr353Pro (NM_001287424.2); c.910A>C, p.Thr304Pro (NM_001287435.2); short protein forms T304P, T318P, T353P, T199P.
Identifiers: ClinVar variation 1350688 (VCV001350688.6), dbSNP rs2145258767, ClinGen allele CA405273852.
Genomic context (GRCh38, chr19:33,301,463, plus strand): 5'-GCGTGTCCAGTTCGCGGCTCAGCTGTTCCACCCGCTTGCGCAGGCGGTCATTGTCACTGG[T>G]CAGCTCCAGCACCTTCTGCTGCGTCTCCACGTTGCGCTGCTTGGCCTTGTCGCGGCTCTT-3'
Protein context (NP_004355.2, residues 308-328): VETQQKVLEL[Thr318Pro]SDNDRLRKRV